The following is an entry in ClinVar:

ClinVar aggregate classification (germline): Pathogenic (1 of 4 stars; one submission).

Conditions:
Fetal akinesia deformation sequence 1 (FADS1). Also called: Fetal akinesia sequence; Pena-Shokeir syndrome type I. Identifiers: Orphanet 994, MedGen C1276035, MONDO:0100101, OMIM 208150, HP:0001989.
Congenital myasthenic syndrome 9. Also called: Myasthenic syndrome, congenital, 9, associated with acetylcholine receptor deficiency. Identifiers: Orphanet 590, MedGen C4225368, MONDO:0014587, OMIM 616325.

gnomAD v4.1: 6 of 1,613,770 alleles (0.00037%); highest among the groups gnomAD compares: East Asian, 0.0045%; no homozygotes.

Submission:

Labcorp Genetics (formerly Invitae), Labcorp
Classification: Pathogenic for Congenital myasthenic syndrome 9; Fetal akinesia deformation sequence 1. Last evaluated: 2024-01-25. Review status: criteria provided, single submitter. Criteria: Invitae Variant Classification Sherloc (09022015). Collection method: clinical testing. Allele origin: germline.
Comment: This sequence change creates a premature translational stop signal (p.Cys406*) in the MUSK gene. It is expected to result in an absent or disrupted protein product. Loss-of-function variants in MUSK are known to be pathogenic (PMID: 8653786, 25612909, 25695962, 25900532). This variant is present in population databases (no rsID available, gnomAD 0.01%). This variant has not been reported in the literature in individuals affected with MUSK-related conditions. For these reasons, this variant has been classified as Pathogenic.

Literature cited by the submitters: PubMed 8653786; PubMed 25612909; PubMed 25695962; PubMed 25900532.

NM_005592.4(MUSK):c.1218C>A (p.Cys406Ter)

Gene: MUSK (muscle associated receptor tyrosine kinase; plus strand). Cytogenetic location: 9q31.3.
Variant type: single nucleotide variant.
Coding change: c.1218C>A on transcript NM_005592.4 (MANE Select); coding-DNA position 1218, C replaced by A.
Protein change: p.Cys406Ter; replaces cysteine 406 with a stop codon.
Molecular consequence: nonsense. On other transcripts: 5 prime UTR variant (1).
Genome position (GRCh38, 1-based): chr9:110,775,821, C>A. VCF-style: chr9-110775821-C-A. GRCh37 (hg19) VCF-style: chr9-113538101-C-A.
Other names: c.984C>A, p.Cys328Ter (NM_001166280.2); c.954C>A, p.Cys318Ter (NM_001166281.2); c.-19C>A (NM_001369398.1); short protein forms C318*, C406*, C328*.
Identifiers: ClinVar variation 2928495 (VCV002928495.3), dbSNP rs368395413, ClinGen allele CA374472832.